The following is an entry in ClinVar:

NM_001783.4(CD79A):c.664C>T (p.Gln222Ter)

Genes: CD79A (CD79a molecule; plus strand), RPS19-CD79A (RPS19-CD79A readthrough; plus strand). Cytogenetic location: 19q13.2.
Variant type: single nucleotide variant.
Coding change: c.664C>T on transcript NM_001783.4 (MANE Select); coding-DNA position 664, C replaced by T.
Protein change: p.Gln222Ter; replaces glutamine 222 with a stop codon.
Molecular consequence: nonsense.
Genome position (GRCh38, 1-based): chr19:41,880,963, C>T. VCF-style: chr19-41880963-C-T. GRCh37 (hg19) VCF-style: chr19-42385030-C-T.
Other names: c.550C>T, p.Gln184Ter (NM_021601.4); short protein forms Q184*, Q222*.
Identifiers: ClinVar variation 1985512 (VCV001985512.4), dbSNP rs2074221089, ClinGen allele CA406038319.
Genomic context (GRCh38, chr19:41,880,963, plus strand): 5'-ATCTCCCGGGGCCTCCAGGGCACCTACCAGGATGTGGGCAGCCTCAACATAGGAGATGTC[C>T]AGCTGGAGAAGCCGTGACACCCCTACTCCTGCCAGGCTGCCCCCGCCTGCTGTGCACCCA-3'

ClinVar aggregate classification (germline): Uncertain significance (1 of 4 stars; one submission).

Conditions:
Agammaglobulinemia 3, autosomal recessive (AGM3). Also called: AGAMMAGLOBULINEMIA 3; AGAMMAGLOBULINEMIA, AUTOSOMAL RECESSIVE, DUE TO CD79A DEFECT. Identifiers: MedGen C3150751, MONDO:0013288, OMIM 613501.

Allele frequency attached by ClinVar (database versions not stated): TOPMed 0.00001.

Submission:

Labcorp Genetics (formerly Invitae), Labcorp
Classification: Uncertain significance for Agammaglobulinemia 3, autosomal recessive. Last evaluated: 2022-09-27. Review status: criteria provided, single submitter. Criteria: Invitae Variant Classification Sherloc (09022015). Collection method: clinical testing. Allele origin: germline.
Comment: In summary, the available evidence is currently insufficient to determine the role of this variant in disease. Therefore, it has been classified as a Variant of Uncertain Significance. Experimental studies and prediction algorithms are not available or were not evaluated, and the functional significance of this variant is currently unknown. This variant has not been reported in the literature in individuals affected with CD79A-related conditions. This variant is not present in population databases (gnomAD no frequency). This sequence change creates a premature translational stop signal (p.Gln222*) in the CD79A gene. While this is not anticipated to result in nonsense mediated decay, it is expected to disrupt the last 5 amino acid(s) of the CD79A protein.